The following is an entry in ClinVar:

NM_005097.4(LGI1):c.639T>A (p.Ser213Arg)

Gene: LGI1 (leucine rich glioma inactivated 1; plus strand). Cytogenetic location: 10q23.33.
Variant type: single nucleotide variant.
Coding change: c.639T>A on transcript NM_005097.4 (MANE Select); coding-DNA position 639, T replaced by A.
Protein change: p.Ser213Arg; replaces serine 213 with arginine.
Molecular consequence: missense variant. On other transcripts: non-coding transcript variant (1).
Genome position (GRCh38, 1-based): chr10:93,792,878, T>A. VCF-style: chr10-93792878-T-A. GRCh37 (hg19) VCF-style: chr10-95552635-T-A.
Other names: c.639T>A, p.Ser213Arg (NM_001308275.2); c.495T>A, p.Ser165Arg (NM_001308276.2); short protein forms S165R, S213R.
Identifiers: ClinVar variation 2147075 (VCV002147075.4), dbSNP rs1369506178, ClinGen allele CA377623681.

ClinVar aggregate classification (germline): Uncertain significance (1 of 4 stars; one submission).

Conditions:
Autosomal dominant epilepsy with auditory features. Identifiers: Orphanet 101046, MedGen C1838062, MONDO:0010898.

gnomAD v4.1: 21 of 1,613,998 alleles (0.0013%); highest among the groups gnomAD compares: Non-Finnish European, 0.0018%; no homozygotes.

Submission:

Labcorp Genetics (formerly Invitae), Labcorp
Classification: Uncertain significance for Autosomal dominant epilepsy with auditory features. Last evaluated: 2022-09-19. Review status: criteria provided, single submitter. Criteria: Invitae Variant Classification Sherloc (09022015). Collection method: clinical testing. Allele origin: germline.
Comment: This sequence change replaces serine, which is neutral and polar, with arginine, which is basic and polar, at codon 213 of the LGI1 protein (p.Ser213Arg). This variant is present in population databases (no rsID available, gnomAD 0.0009%). In summary, the available evidence is currently insufficient to determine the role of this variant in disease. Therefore, it has been classified as a Variant of Uncertain Significance. Advanced modeling of protein sequence and biophysical properties (such as structural, functional, and spatial information, amino acid conservation, physicochemical variation, residue mobility, and thermodynamic stability) performed at Invitae indicates that this missense variant is not expected to disrupt LGI1 protein function. This variant has not been reported in the literature in individuals affected with LGI1-related conditions.